The following is an entry in ClinVar:

ClinVar aggregate classification (germline): Pathogenic. Review status: criteria provided, multiple submitters, no conflicts (2 of 4 stars). 4 submissions from 4 submitters: Pathogenic (4). Last evaluated 2025-10-29.

Conditions:
Familial cancer of breast. Also called: Hereditary breast cancer; hereditary breast carcinoma; BREAST CANCER, FAMILIAL. Identifiers: Orphanet 227535, MedGen C0346153, MONDO:0016419, OMIM 114480. Disease mechanism: loss of function.
Hereditary cancer-predisposing syndrome. Also called: Neoplastic Syndromes, Hereditary; Hereditary neoplastic syndrome; Hereditary Cancer Syndrome; Tumor predisposition. Identifiers: Orphanet 140162, MedGen C0027672, MeSH D009386, MONDO:0015356.
Fanconi anemia complementation group J. Also called: BRIP1-Related Fanconi Anemia. Identifiers: Orphanet 84, MedGen C1836860, MONDO:0012187, OMIM 609054.

Submissions (4):

Color Diagnostics, LLC DBA Color Health
Classification: Pathogenic for Hereditary cancer-predisposing syndrome. Last evaluated: 2025-10-29. Review status: criteria provided, single submitter. Criteria: ACMG Guidelines, 2015. Collection method: clinical testing. Allele origin: germline.
Comment: This variant inserts 2 nucleotides in exon 15 of the BRIP1 gene, creating a frameshift and premature translation stop signal. This variant is expected to result in an absent or non-functional protein product. To our knowledge, this variant has not been reported in individuals affected with BRIP1-related disorders in the literature. This variant has not been identified in the general population by the Genome Aggregation Database (gnomAD). Loss of BRIP1 function is a known mechanism of disease. Based on the available evidence, this variant is classified as Pathogenic.

Ambry Genetics
Classification: Pathogenic for Hereditary cancer-predisposing syndrome. Last evaluated: 2025-05-27. Review status: criteria provided, single submitter. Criteria: Ambry Variant Classification Scheme 2023. Collection method: clinical testing. Allele origin: germline.
Comment: The c.2196_2197dupAA pathogenic mutation, located in coding exon 14 of the BRIP1 gene, results from a duplication of AA at nucleotide position 2196, causing a translational frameshift with a predicted alternate stop codon (p.T733Kfs*27). This variant is considered to be rare based on population cohorts in the Genome Aggregation Database (gnomAD). This alteration is expected to result in loss of function by premature protein truncation or nonsense-mediated mRNA decay. As such, this alteration is interpreted as a disease-causing mutation.

Labcorp Genetics (formerly Invitae), Labcorp
Classification: Pathogenic for Familial cancer of breast; Fanconi anemia complementation group J. Last evaluated: 2024-12-15. Review status: criteria provided, single submitter. Criteria: Invitae Variant Classification Sherloc (09022015). Collection method: clinical testing. Allele origin: germline.
Comment: This sequence change creates a premature translational stop signal (p.Thr733Lysfs*27) in the BRIP1 gene. It is expected to result in an absent or disrupted protein product. Loss-of-function variants in BRIP1 are known to be pathogenic (PMID: 16116423, 17033622, 21964575). This variant is not present in population databases (gnomAD no frequency). This variant has not been reported in the literature in individuals affected with BRIP1-related conditions. ClinVar contains an entry for this variant (Variation ID: 1408589). For these reasons, this variant has been classified as Pathogenic.

Myriad Genetics, Inc.
Classification: Pathogenic for Familial cancer of breast. Last evaluated: 2023-06-06. Review status: criteria provided, single submitter. Criteria: Myriad Autosomal Dominant, Autosomal Recessive and X-Linked Classification Criteria (2023). Collection method: clinical testing. Allele origin: unknown.
Comment: This variant is considered pathogenic. This variant creates a frameshift predicted to result in premature protein truncation.

Literature cited by the submitters: PubMed 16116423 (cited by Labcorp Genetics (formerly Invitae), Labcorp); PubMed 17033622 (cited by Labcorp Genetics (formerly Invitae), Labcorp); PubMed 21964575 (cited by Labcorp Genetics (formerly Invitae), Labcorp).

NM_032043.3(BRIP1):c.2196_2197dup (p.Thr733fs)

Gene: BRIP1 (BRCA1 interacting DNA helicase 1; minus strand). Cytogenetic location: 17q23.2.
Variant type: Duplication.
Coding change: c.2196_2197dup on transcript NM_032043.3 (MANE Select); coding-DNA positions 2196 to 2197, 2 bases duplicated (AA; older notation c.2196_2197dupAA).
Protein change: p.Thr733fs; shifts the reading frame from threonine 733.
Molecular consequence: frameshift variant.
Genome position (GRCh38, 1-based): chr17:61,744,492-61,744,493, TT duplicated on the plus strand (AA on the coding strand, the reverse complement: BRIP1 is on the minus strand); duplicating any 2 consecutive bases within chr17:61,744,492-61,744,497 gives the same sequence; the c. name uses the placement nearest the transcript's 3' end. VCF-style (leftmost placement, unchanged base first): chr17-61744491-G-GTT. GRCh37 (hg19) VCF-style: chr17-59821852-G-GTT.
Other names: short protein forms T733fs.
Identifiers: ClinVar variation 1408589 (VCV001408589.12), dbSNP rs2144697372, ClinGen allele CA2573154288.
Genomic context (GRCh38, chr17:61,744,491, plus strand): 5'-CCTTTCTCTCCTTTGTATTTGATTGCGTCATAGTACACCTGCAGTAATTCATCAAAATTT[G>GTT]TTTTTTCTCCTCCCTGTGGTTCTACAATGACTGTCTTCACCAACTCCAGATTATGCCATA-3'